The following is an entry in ClinVar:

NM_001379286.1(ZNF423):c.454G>A (p.Asp152Asn)

Gene: ZNF423 (zinc finger protein 423; minus strand). Cytogenetic location: 16q12.1.
Variant type: single nucleotide variant.
Coding change: c.454G>A on transcript NM_001379286.1 (MANE Select); coding-DNA position 454, G replaced by A.
Protein change: p.Asp152Asn; replaces aspartic acid 152 with asparagine.
Molecular consequence: missense variant.
Genome position (GRCh38, 1-based): chr16:49,638,722, C>T on the plus strand (G>A on the coding strand, the complement: ZNF423 is on the minus strand). VCF-style: chr16-49638722-C-T. GRCh37 (hg19) VCF-style: chr16-49672633-C-T.
Other names: c.250G>A, p.Asp84Asn (NM_001271620.2); c.79G>A, p.Asp27Asn (NM_001330533.2); c.430G>A, p.Asp144Asn (NM_015069.5); short protein forms D27N, D144N, D84N, D152N.
Identifiers: ClinVar variation 834377 (VCV000834377.9), dbSNP rs1173822448, ClinGen allele CA395852456.

ClinVar aggregate classification (germline): Uncertain significance (1 of 4 stars; one submission).

Conditions:
Nephronophthisis 14 (NPHP14). Identifiers: Orphanet 2318, MedGen C3539071, MONDO:0013916, OMIM 614844.

gnomAD v4.1: 17 of 1,614,138 alleles (0.0011%); highest among the groups gnomAD compares: Non-Finnish European, 0.0013%; no homozygotes.

Submission:

Labcorp Genetics (formerly Invitae), Labcorp
Classification: Uncertain significance for Nephronophthisis 14. Last evaluated: 2022-08-22. Review status: criteria provided, single submitter. Criteria: Invitae Variant Classification Sherloc (09022015). Collection method: clinical testing. Allele origin: germline.
Comment: In summary, the available evidence is currently insufficient to determine the role of this variant in disease. Therefore, it has been classified as a Variant of Uncertain Significance. Algorithms developed to predict the effect of missense changes on protein structure and function are either unavailable or do not agree on the potential impact of this missense change (SIFT: "Deleterious"; PolyPhen-2: "Probably Damaging"; Align-GVGD: "Class C0"). ClinVar contains an entry for this variant (Variation ID: 834377). This variant has not been reported in the literature in individuals affected with ZNF423-related conditions. This variant is present in population databases (no rsID available, gnomAD 0.002%). This sequence change replaces aspartic acid, which is acidic and polar, with asparagine, which is neutral and polar, at codon 144 of the ZNF423 protein (p.Asp144Asn).